The following is an entry in ClinVar:

ClinVar aggregate classification (germline): Conflicting classifications of pathogenicity. Review status: criteria provided, conflicting classifications (1 of 4 stars). 3 submissions from 3 submitters: Uncertain significance (1); Benign (1); Likely benign (1). Last evaluated 2023-06-27.

Conditions:
Inborn genetic diseases. Identifiers: MedGen C0950123, MeSH D030342.

Allele frequency attached by ClinVar (database versions not stated): gnomAD exomes 0.00005.
gnomAD v4.1: 25 of 1,171,385 alleles (0.0021%); highest among the groups gnomAD compares: South Asian, 0.015%; no homozygotes.

Submissions (3):

Ambry Genetics
Classification: Uncertain significance for Inborn genetic diseases. Last evaluated: 2023-06-27. Review status: criteria provided, single submitter. Criteria: Ambry Variant Classification Scheme 2023. Collection method: clinical testing. Allele origin: germline.

Labcorp Genetics (formerly Invitae), Labcorp
Classification: Benign. Last evaluated: 2023-04-30. Review status: criteria provided, single submitter. Criteria: Invitae Variant Classification Sherloc (09022015). Collection method: clinical testing. Allele origin: germline.

CeGaT Center for Human Genetics Tuebingen
Classification: Likely benign. Last evaluated: 2023-03-01. Review status: criteria provided, single submitter. Criteria: CeGaT Center For Human Genetics Tuebingen Variant Classification Criteria Version 2. Collection method: clinical testing. Allele origin: germline. Affected: yes. Observed: 2 variant alleles.
Comment: RP2: BS2

NM_006915.3(RP2):c.50C>T (p.Pro17Leu)

Genes: RP2 (RP2 activator of ARL3 GTPase; plus strand), LOC130068202 (ATAC-STARR-seq lymphoblastoid active region 29577; plus strand). Cytogenetic location: Xp11.3.
Variant type: single nucleotide variant.
Coding change: c.50C>T on transcript NM_006915.3 (MANE Select); coding-DNA position 50, C replaced by T.
Protein change: p.Pro17Leu; replaces proline 17 with leucine.
Molecular consequence: missense variant.
Genome position (GRCh38, 1-based): chrX:46,837,150, C>T. VCF-style: chrX-46837150-C-T. GRCh37 (hg19) VCF-style: chrX-46696585-C-T.
Other names: c.50C>T (NM_006915.2); short protein forms P17L.
Identifiers: ClinVar variation 374718 (VCV000374718.53), dbSNP rs782387061, ClinGen allele CA10394164.